The following is an entry in ClinVar:

NM_001972.4(ELANE):c.737T>C (p.Ile246Thr)

Gene: ELANE (elastase, neutrophil expressed; plus strand). Cytogenetic location: 19p13.3.
Variant type: single nucleotide variant.
Coding change: c.737T>C on transcript NM_001972.4 (MANE Select); coding-DNA position 737, T replaced by C.
Protein change: p.Ile246Thr; replaces isoleucine 246 with threonine.
Molecular consequence: missense variant.
Genome position (GRCh38, 1-based): chr19:856,097, T>C. VCF-style: chr19-856097-T-C. GRCh37 (hg19) VCF-style: chr19-856097-T-C.
Other names: short protein forms I246T.
Identifiers: ClinVar variation 4248074 (VCV004248074.1).

ClinVar aggregate classification (germline): Uncertain significance (1 of 4 stars; one submission).

Conditions:
Inborn genetic diseases. Identifiers: MedGen C0950123, MeSH D030342.

gnomAD v4.1: 2 of 1,613,070 alleles (0.00012%); highest among the groups gnomAD compares: Non-Finnish European, 0.00017%; no homozygotes.

Submission:

Ambry Genetics
Classification: Uncertain significance for Inborn genetic diseases. Last evaluated: 2025-08-02. Review status: criteria provided, single submitter. Criteria: Ambry Variant Classification Scheme 2023. Collection method: clinical testing. Allele origin: germline.
Comment: The p.I246T variant (also known as c.737T>C), located in coding exon 5 of the ELANE gene, results from a T to C substitution at nucleotide position 737. The isoleucine at codon 246 is replaced by threonine, an amino acid with similar properties. This amino acid position is conserved. In addition, the in silico prediction for this alteration is inconclusive. Based on the available evidence, the clinical significance of this variant remains unclear.